The following is an entry in ClinVar:

NM_032043.3(BRIP1):c.2656A>T (p.Lys886Ter)

Gene: BRIP1 (BRCA1 interacting DNA helicase 1; minus strand). Cytogenetic location: 17q23.2.
Variant type: single nucleotide variant.
Coding change: c.2656A>T on transcript NM_032043.3 (MANE Select); coding-DNA position 2656, A replaced by T.
Protein change: p.Lys886Ter; replaces lysine 886 with a stop codon.
Molecular consequence: nonsense.
Genome position (GRCh38, 1-based): chr17:61,686,085, T>A on the plus strand (A>T on the coding strand, the complement: BRIP1 is on the minus strand). VCF-style: chr17-61686085-T-A. GRCh37 (hg19) VCF-style: chr17-59763446-T-A.
Other names: short protein forms K886*.
Identifiers: ClinVar variation 2583728 (VCV002583728.2), dbSNP rs2144116207, ClinGen allele CA400481848.

ClinVar aggregate classification (germline): Pathogenic (1 of 4 stars; one submission).

Conditions:
Familial cancer of breast. Also called: Hereditary breast cancer; BREAST CANCER, FAMILIAL; hereditary breast carcinoma. Identifiers: Orphanet 227535, MedGen C0346153, MONDO:0016419, OMIM 114480. Disease mechanism: loss of function.

Submission:

Myriad Genetics, Inc.
Classification: Pathogenic for Familial cancer of breast. Last evaluated: 2023-06-07. Review status: criteria provided, single submitter. Criteria: Myriad Autosomal Dominant, Autosomal Recessive and X-Linked Classification Criteria (2023). Collection method: clinical testing. Allele origin: unknown.
Comment: This variant is considered pathogenic. This variant creates a termination codon and is predicted to result in premature protein truncation.